The following is an entry in ClinVar:

NM_152384.3(BBS5):c.413G>A (p.Arg138His)

Gene: BBS5 (Bardet-Biedl syndrome 5; plus strand). Cytogenetic location: 2q31.1.
Variant type: single nucleotide variant.
Coding change: c.413G>A on transcript NM_152384.3 (MANE Select); coding-DNA position 413, G replaced by A.
Protein change: p.Arg138His; replaces arginine 138 with histidine.
Molecular consequence: missense variant.
Genome position (GRCh38, 1-based): chr2:169,492,900, G>A. VCF-style: chr2-169492900-G-A. GRCh37 (hg19) VCF-style: chr2-170349410-G-A.
Other names: BBS5 p.R138H; c.413G>A (NM_152384.2); short protein forms R138H.
Identifiers: ClinVar variation 68066 (VCV000068066.15), dbSNP rs179363897, ClinGen allele CA265994.

ClinVar aggregate classification (germline): Pathogenic/Likely pathogenic. Review status: criteria provided, multiple submitters, no conflicts (2 of 4 stars). 6 submissions from 6 submitters: Pathogenic (1); Likely pathogenic (5). Last evaluated 2025-09-10.

Conditions:
BBS5-related disorder. Also called: BBS5-related condition.
Bardet-Biedl syndrome (BBS). Identifiers: Orphanet 110, MedGen C0752166, MONDO:0015229.
Bardet-Biedl syndrome 5 (BBS5). Identifiers: Orphanet 110, MedGen C3892039, MONDO:0014434, OMIM 615983.

Allele frequency attached by ClinVar (database versions not stated): gnomAD exomes 0.00001; TOPMed 0.00001.
gnomAD v4.1: 9 of 1,612,170 alleles (0.00056%); highest among the groups gnomAD compares: African/African-American, 0.0027%; no homozygotes.

Submissions (6):

Labcorp Genetics (formerly Invitae), Labcorp
Classification: Pathogenic for Bardet-Biedl syndrome. Last evaluated: 2025-09-10. Review status: criteria provided, single submitter. Criteria: Invitae Variant Classification Sherloc (09022015). Collection method: clinical testing. Allele origin: germline.
Comment: This sequence change replaces arginine, which is basic and polar, with histidine, which is basic and polar, at codon 138 of the BBS5 protein (p.Arg138His). This variant is present in population databases (rs179363897, gnomAD 0.007%). This missense change has been observed in individual(s) with clinical features of Bardet-Biedl syndrome or nonsyndromic retinitis pigmentosa (PMID: 22773737, 24400638; internal data). ClinVar contains an entry for this variant (Variation ID: 68066). Invitae Evidence Modeling of protein sequence and biophysical properties (such as structural, functional, and spatial information, amino acid conservation, physicochemical variation, residue mobility, and thermodynamic stability) indicates that this missense variant is expected to disrupt BBS5 protein function with a positive predictive value of 80%. This variant disrupts the p.Arg138 amino acid residue in BBS5. Other variant(s) that disrupt this residue have been determined to be pathogenic (PMID: 28041643, 35835773). This suggests that this residue is clinically significant, and that variants that disrupt this residue are likely to be disease-causing. For these reasons, this variant has been classified as Pathogenic.

Blueprint Genetics
Classification: Likely pathogenic for BBS5-related disorders. Last evaluated: 2024-11-19. Review status: criteria provided, single submitter. Criteria: ACMG Guidelines, 2015. Collection method: clinical testing. Allele origin: germline. Affected: yes. Observed: 5 variant alleles.

Lab De Baere, Eye and Developmental Genetics Lab, Ghent University
Classification: Likely pathogenic for Bardet-Biedl syndrome. Last evaluated: 2024-10-01. Review status: criteria provided, single submitter. Criteria: ACMG Guidelines, 2015. Collection method: research. Allele origin: inherited. Affected: yes. Observed: 1 variant allele.
Comment: ACMG/AMP guidelines: PM2, PP5, PP3, PP1, PM3_2

Fulgent Genetics
Classification: Likely pathogenic for Bardet-Biedl syndrome 5. Last evaluated: 2024-04-29. Review status: criteria provided, single submitter. Criteria: ACMG Guidelines, 2015. Collection method: clinical testing. Allele origin: germline.

Women's Health and Genetics/Laboratory Corporation of America, LabCorp
Classification: Likely pathogenic for Bardet-Biedl syndrome. Last evaluated: 2023-12-12. Review status: criteria provided, single submitter. Criteria: LabCorp Variant Classification Summary - May 2015. Collection method: clinical testing. Allele origin: germline.
Comment: Variant summary: BBS5 c.413G>A (p.Arg138His) results in a non-conservative amino acid change in the encoded protein sequence. Five of five in-silico tools predict a damaging effect of the variant on protein function. The variant allele was found at a frequency of 1.2e-05 in 251008 control chromosomes (i.e., 3 heterozygotes, no homozygotes; gnomAD v2.1.1 Exomes dataset). The available data on variant occurrences in the general population are insufficient to allow any conclusion about variant significance. c.413G>A has been reported in the literature in at least two homozygous individuals affected with Bardet-Biedl Syndrome (e.g., Redin_2012, Sathya-Priya_2014, Karam_2023, Gnanasekaran_2023). These data indicate that the variant is likely to be associated with disease. To our knowledge, no experimental evidence demonstrating an impact on protein function has been reported. The following publications have been ascertained in the context of this evaluation (PMID: 37240074, 22773737, 24400638, 30029678, 37431782). Two submitters have reported clinical-significance assessments for this variant to ClinVar after 2014. All submitters classified the variant as likely pathogenic. Based on the evidence outlined above, the variant was classified as likely pathogenic.

SN ONGC Dept of Genetics and Molecular biology Vision Research Foundation
Classification: Likely pathogenic for Bardet-Biedl syndrome. Last evaluated: 2023-01-02. Review status: criteria provided, single submitter. Criteria: ACMG Guidelines, 2015. Collection method: research. Allele origin: biparental. Affected: yes.

Literature cited by the submitters: PubMed 22773737 (cited by Labcorp Genetics (formerly Invitae), Labcorp and Women's Health and Genetics/Laboratory Corporation of America, LabCorp); PubMed 24400638 (cited by Labcorp Genetics (formerly Invitae), Labcorp and Women's Health and Genetics/Laboratory Corporation of America, LabCorp); PubMed 28041643 (cited by Labcorp Genetics (formerly Invitae), Labcorp); PubMed 35835773 (cited by Labcorp Genetics (formerly Invitae), Labcorp); PubMed 30029678 (cited by Women's Health and Genetics/Laboratory Corporation of America, LabCorp); PubMed 37431782 (cited by Women's Health and Genetics/Laboratory Corporation of America, LabCorp); PubMed 37240074 (cited by Women's Health and Genetics/Laboratory Corporation of America, LabCorp).